The following is an entry in ClinVar:

ClinVar aggregate classification (germline): Pathogenic (1 of 4 stars; one submission).

Conditions:
Epilepsy, X-linked 1, with variable learning disabilities and behavior disorders. Also called: X-linked epilepsy-learning disabilities-behavior disorders syndrome. Identifiers: Orphanet 85294, MedGen C5774177, MONDO:0010339, OMIM 300491.

Submission:

Labcorp Genetics (formerly Invitae), Labcorp
Classification: Pathogenic for Epilepsy, X-linked 1, with variable learning disabilities and behavior disorders. Last evaluated: 2022-05-04. Review status: criteria provided, single submitter. Criteria: Invitae Variant Classification Sherloc (09022015). Collection method: clinical testing. Allele origin: germline.
Comment: This sequence change creates a premature translational stop signal (p.Arg186Profs*29) in the SYN1 gene. It is expected to result in an absent or disrupted protein product. Loss-of-function variants in SYN1 are known to be pathogenic (PMID: 14985377, 21441247). This variant is not present in population databases (gnomAD no frequency). This variant has not been reported in the literature in individuals affected with SYN1-related conditions. For these reasons, this variant has been classified as Pathogenic.

Literature cited by the submitters: PubMed 14985377; PubMed 21441247.

NM_006950.3(SYN1):c.554_555insA (p.Arg186fs)

Gene: SYN1 (synapsin I; minus strand). Cytogenetic location: Xp11.23.
Variant type: Insertion.
Coding change: c.554_555insA on transcript NM_006950.3 (MANE Select); coding-DNA positions 554 to 555, A inserted.
Protein change: p.Arg186fs; shifts the reading frame from arginine 186.
Molecular consequence: frameshift variant.
Genome position: GRCh38 VCF-style: chrX-47605352-G-GT. GRCh37 (hg19) VCF-style: chrX-47464751-G-GT.
Other names: c.554_555insA, p.Arg186fs (NM_133499.2); short protein forms R186fs.
Identifiers: ClinVar variation 2133935 (VCV002133935.4), dbSNP rs2519705505, ClinGen allele CA2580101111.